The following is an entry in ClinVar:

NM_000268.4(NF2):c.422T>G (p.Leu141Arg)

Gene: NF2 (NF2, moesin-ezrin-radixin like (MERLIN) tumor suppressor; plus strand). Cytogenetic location: 22q12.2.
Variant type: single nucleotide variant.
Coding change: c.422T>G on transcript NM_000268.4 (MANE Select); coding-DNA position 422, T replaced by G.
Protein change: p.Leu141Arg; replaces leucine 141 with arginine.
Molecular consequence: missense variant. On other transcripts: 5 prime UTR variant (1), non-coding transcript variant (1).
Genome position (GRCh38, 1-based): chr22:29,642,260, T>G. VCF-style: chr22-29642260-T-G. GRCh37 (hg19) VCF-style: chr22-30038249-T-G.
Other names: c.308T>G, p.Leu103Arg (NM_001407053.1, NM_001407056.1); c.299T>G, p.Leu100Arg (NM_001407054.1, NM_001407058.1, NM_001407062.1 and 1 more transcripts); c.296T>G, p.Leu99Arg (NM_001407055.1, NM_181828.3); c.422T>G, p.Leu141Arg (NM_001407057.1, NM_001407059.1, NM_001407060.1 and 5 more transcripts); c.173T>G, p.Leu58Arg (NM_001407063.1, NM_001407064.1, NM_181830.3 and 1 more transcripts); c.-219T>G (NM_001407065.1); c.191T>G, p.Leu64Arg (NM_001407067.1); short protein forms L100R, L103R, L58R, L64R, L99R, L141R.
Identifiers: ClinVar variation 3723941 (VCV003723941.4).

ClinVar aggregate classification (germline): Conflicting classifications of pathogenicity. Review status: criteria provided, conflicting classifications (1 of 4 stars). 2 submissions from 2 submitters: Pathogenic (1); Uncertain significance (1). Last evaluated 2025-02-05.

Conditions:
Neurofibromatosis, type 2 (SWNV). Also called: BILATERAL ACOUSTIC NEUROFIBROMATOSIS; NF2-Related Schwannomatosis; SCHWANNOMATOSIS, VESTIBULAR. Identifiers: Orphanet 637, MedGen C0027832, MONDO:0007039, OMIM 101000. Disease mechanism: loss of function.

Submissions (2):

Hereditary Cancer Clinic, Medical College of Georgia
Classification: Pathogenic for Neurofibromatosis, type 2. Last evaluated: 2025-02-05. Review status: criteria provided, single submitter. Criteria: ACMG Guidelines, 2015. Collection method: clinical testing. Allele origin: unknown. Inheritance: Autosomal dominant inheritance. Affected: yes. Observed: 1 heterozygote.
Comment: PM1 Located in the FERM domain of merlin. PM2 Absent from controls. PM5 Different missense mutation is pathogenic (VCV001297605.3). PM6 Assumed de novo. PP3 Computational evidence supports deleterious effect. PP4 Phenotype is highly specific.

Labcorp Genetics (formerly Invitae), Labcorp
Classification: Uncertain significance for Neurofibromatosis, type 2. Last evaluated: 2024-12-29. Review status: criteria provided, single submitter. Criteria: Invitae Variant Classification Sherloc (09022015). Collection method: clinical testing. Allele origin: germline.
Comment: This sequence change replaces leucine, which is neutral and non-polar, with arginine, which is basic and polar, at codon 141 of the NF2 protein (p.Leu141Arg). This variant is not present in population databases (gnomAD no frequency). This variant has not been reported in the literature in individuals affected with NF2-related conditions. Invitae Evidence Modeling of protein sequence and biophysical properties (such as structural, functional, and spatial information, amino acid conservation, physicochemical variation, residue mobility, and thermodynamic stability) indicates that this missense variant is expected to disrupt NF2 protein function with a positive predictive value of 80%. In summary, the available evidence is currently insufficient to determine the role of this variant in disease. Therefore, it has been classified as a Variant of Uncertain Significance.